The following is an entry in ClinVar:

ClinVar aggregate classification (germline): Uncertain significance. Review status: criteria provided, multiple submitters, no conflicts (2 of 4 stars). 3 submissions from 3 submitters: Uncertain significance (3). Last evaluated 2025-07-19.

Conditions:
Familial cancer of breast. Also called: Hereditary breast cancer; BREAST CANCER, FAMILIAL; hereditary breast carcinoma. Identifiers: Orphanet 227535, MedGen C0346153, MONDO:0016419, OMIM 114480. Disease mechanism: loss of function.
Hereditary cancer-predisposing syndrome. Also called: Neoplastic Syndromes, Hereditary; Hereditary Cancer Syndrome; Hereditary neoplastic syndrome; Tumor predisposition. Identifiers: Orphanet 140162, MedGen C0027672, MeSH D009386, MONDO:0015356.

Submissions (3):

Ambry Genetics
Classification: Uncertain significance for Hereditary cancer-predisposing syndrome. Last evaluated: 2025-07-19. Review status: criteria provided, single submitter. Criteria: Ambry Variant Classification Scheme 2023. Collection method: clinical testing. Allele origin: germline.
Comment: The p.H471R variant (also known as c.1412A>G), located in coding exon 6 of the BARD1 gene, results from an A to G substitution at nucleotide position 1412. The histidine at codon 471 is replaced by arginine, an amino acid with highly similar properties. This variant was identified in a cohort of 3,579 African males diagnosed with prostate cancer who underwent multi-gene panel testing of 19 DNA repair and cancer predisposition genes (Matejcic M et al. JCO Precis Oncol, 2020 Jan;4:32-43). This amino acid position is well conserved in available vertebrate species. In addition, this alteration is predicted to be tolerated by in silico analysis. Since supporting evidence is limited at this time, the clinical significance of this alteration remains unclear.

Labcorp Genetics (formerly Invitae), Labcorp
Classification: Uncertain significance for Familial cancer of breast. Last evaluated: 2025-03-12. Review status: criteria provided, single submitter. Criteria: Invitae Variant Classification Sherloc (09022015). Collection method: clinical testing. Allele origin: germline.
Comment: This sequence change replaces histidine, which is basic and polar, with arginine, which is basic and polar, at codon 471 of the BARD1 protein (p.His471Arg). This variant is not present in population databases (gnomAD no frequency). This variant has not been reported in the literature in individuals affected with BARD1-related conditions. ClinVar contains an entry for this variant (Variation ID: 1062180). An algorithm developed to predict the effect of missense changes on protein structure and function (PolyPhen-2) suggests that this variant is likely to be disruptive. In summary, the available evidence is currently insufficient to determine the role of this variant in disease. Therefore, it has been classified as a Variant of Uncertain Significance.

Color Diagnostics, LLC DBA Color Health
Classification: Uncertain significance for Hereditary cancer-predisposing syndrome. Last evaluated: 2022-12-06. Review status: criteria provided, single submitter. Criteria: ACMG Guidelines, 2015. Collection method: clinical testing. Allele origin: germline.
Comment: This missense variant replaces histidine with arginine at codon 471 of the BARD1 protein. Computational prediction suggests that this variant may not impact protein structure and function (internally defined REVEL score threshold <= 0.5, PMID: 27666373). To our knowledge, functional studies have not been reported for this variant. This variant has not been reported in individuals affected with hereditary cancer in the literature. This variant has not been identified in the general population by the Genome Aggregation Database (gnomAD). The available evidence is insufficient to determine the role of this variant in disease conclusively. Therefore, this variant is classified as a Variant of Uncertain Significance.

Literature cited by the submitters: PubMed 32832836 (cited by Ambry Genetics).

NM_000465.4(BARD1):c.1412A>G (p.His471Arg)

Gene: BARD1 (BRCA1 associated RING domain 1; minus strand). Cytogenetic location: 2q35.
Variant type: single nucleotide variant.
Coding change: c.1412A>G on transcript NM_000465.4 (MANE Select); coding-DNA position 1412, A replaced by G.
Protein change: p.His471Arg; replaces histidine 471 with arginine.
Molecular consequence: missense variant. On other transcripts: non-coding transcript variant (3), intron variant (3).
Genome position (GRCh38, 1-based): chr2:214,767,638, T>C on the plus strand (A>G on the coding strand, the complement: BARD1 is on the minus strand). VCF-style: chr2-214767638-T-C. GRCh37 (hg19) VCF-style: chr2-215632362-T-C.
Other names: c.1355A>G, p.His452Arg (NM_001282543.2); c.159-15083A>G (NM_001282548.2); c.216-15083A>G (NM_001282545.2); c.364+24659A>G (NM_001282549.2); c.1412A>G (NM_000465.2); short protein forms H452R, H471R.
Identifiers: ClinVar variation 1062180 (VCV001062180.15), dbSNP rs1694277099, ClinGen allele CA350448755.
Genomic context (GRCh38, chr2:214,767,638, plus strand): 5'-CCGGTGGTGTTCACCAATGCCTTATGCTGGAGCAATAATTCCACTACCTTCAGGTGCCCA[T>C]GATTGCAAGCTTCATGCTAATTAAATTTTTTGAAAAAGAAGTGAAAGAAGTGATAAGAAA-3'
Protein context (NP_000456.2, residues 461-481): GWTPLHEACN[His471Arg]GHLKVVELLL